The following is an entry in ClinVar:

ClinVar aggregate classification (germline): Uncertain significance. Review status: criteria provided, multiple submitters, no conflicts (2 of 4 stars). 2 submissions from 2 submitters: Uncertain significance (2). Last evaluated 2026-01-14.

Conditions:
Juvenile polyposis syndrome (JPS). Identifiers: Orphanet 2929, MedGen C0345893, MONDO:0017380, OMIM 174900.
Hereditary cancer-predisposing syndrome. Also called: Tumor predisposition; Neoplastic Syndromes, Hereditary; Hereditary Cancer Syndrome; Hereditary neoplastic syndrome. Identifiers: Orphanet 140162, MedGen C0027672, MeSH D009386, MONDO:0015356.

Submissions (2):

Labcorp Genetics (formerly Invitae), Labcorp
Classification: Uncertain significance for Juvenile polyposis syndrome. Last evaluated: 2026-01-14. Review status: criteria provided, single submitter. Criteria: Invitae Variant Classification Sherloc (09022015). Collection method: clinical testing. Allele origin: germline.
Comment: This sequence change replaces glutamine, which is neutral and polar, with lysine, which is basic and polar, at codon 239 of the BMPR1A protein (p.Gln239Lys). This variant is not present in population databases (gnomAD no frequency). This variant has not been reported in the literature in individuals affected with BMPR1A-related conditions. ClinVar contains an entry for this variant (Variation ID: 491015). Invitae Evidence Modeling of protein sequence and biophysical properties (such as structural, functional, and spatial information, amino acid conservation, physicochemical variation, residue mobility, and thermodynamic stability) indicates that this missense variant is not expected to disrupt BMPR1A protein function with a negative predictive value of 80%. In summary, the available evidence is currently insufficient to determine the role of this variant in disease. Therefore, it has been classified as a Variant of Uncertain Significance.

Color Diagnostics, LLC DBA Color Health
Classification: Uncertain significance for Hereditary cancer-predisposing syndrome. Last evaluated: 2023-12-07. Review status: criteria provided, single submitter. Criteria: ACMG Guidelines, 2015. Collection method: clinical testing. Allele origin: germline.
Comment: This missense variant replaces glutamine with lysine at codon 239 of the BMPR1A protein. Computational prediction suggests that this variant may not impact protein structure and function (internally defined REVEL score threshold <= 0.5, PMID: 27666373). To our knowledge, functional studies have not been reported for this variant. This variant has not been reported in individuals affected with BMPR1A-related disorders in the literature. This variant has not been identified in the general population by the Genome Aggregation Database (gnomAD). The available evidence is insufficient to determine the role of this variant in disease conclusively. Therefore, this variant is classified as a Variant of Uncertain Significance.

NM_004329.3(BMPR1A):c.715C>A (p.Gln239Lys)

Gene: BMPR1A (bone morphogenetic protein receptor type 1A; plus strand). Cytogenetic location: 10q23.2.
Variant type: single nucleotide variant.
Coding change: c.715C>A on transcript NM_004329.3 (MANE Select); coding-DNA position 715, C replaced by A.
Protein change: p.Gln239Lys; replaces glutamine 239 with lysine.
Molecular consequence: missense variant.
Genome position (GRCh38, 1-based): chr10:86,917,173, C>A. VCF-style: chr10-86917173-C-A. GRCh37 (hg19) VCF-style: chr10-88676930-C-A.
Other names: short protein forms Q239K.
Identifiers: ClinVar variation 491015 (VCV000491015.9), dbSNP rs199476084, ClinGen allele CA377457211.